The following is an entry in ClinVar:

NM_000218.3(KCNQ1):c.675G>C (p.Ser225=)

Gene: KCNQ1 (potassium voltage-gated channel subfamily Q member 1; plus strand). Cytogenetic location: 11p15.5.
Variant type: single nucleotide variant.
Coding change: c.675G>C on transcript NM_000218.3 (MANE Select); coding-DNA position 675, G replaced by C.
Protein change: p.Ser225=; no amino-acid change (serine 225 retained).
Molecular consequence: synonymous variant. On other transcripts: intron variant (1).
Genome position (GRCh38, 1-based): chr11:2,571,395, G>C. VCF-style: chr11-2571395-G-C. GRCh37 (hg19) VCF-style: chr11-2592625-G-C.
Other names: c.675G>C, p.Ser225= (NM_001406836.1); c.405G>C, p.Ser135= (NM_001406837.1); c.294G>C, p.Ser98= (NM_181798.2); c.478-12040G>C (NM_001406838.1).
Identifiers: ClinVar variation 1087809 (VCV001087809.15), dbSNP rs148566141, ClinGen allele CA472038030.
Genomic context (GRCh38, chr11:2,571,395, plus strand): 5'-GGTCGTGGCCTCCATGGTGGTCCTCTGCGTGGGCTCCAAGGGGCAGGTGTTTGCCACGTC[G>C]GCCATCAGGTGCGTCTGTGCCACAAGCTCCCCCCGCCATGCCGCCCCACCCCGAGCACCC-3'
Protein context (NP_000209.2, residues 215-235): VGSKGQVFAT[Ser225=]AIRGIRFLQI

ClinVar aggregate classification (germline): Conflicting classifications of pathogenicity. Review status: criteria provided, conflicting classifications (1 of 4 stars). 5 submissions from 5 submitters: Uncertain significance (1); Likely benign (4). Last evaluated 2026-01-08.

Conditions:
Cardiovascular phenotype. Identifiers: MedGen CN230736.
Cardiac arrhythmia. Also called: Cardiac rhythm disease; Arrhythmia. Identifiers: MedGen C0003811, MONDO:0007263, HP:0011675.
Long QT syndrome (LQTS). Identifiers: MedGen C0023976, MeSH D008133, MONDO:0002442. Disease mechanism: loss of function. Inheritance: Various modes of inheritance.

gnomAD v4.1: 2 of 1,611,370 alleles (0.00012%); highest among the groups gnomAD compares: Non-Finnish European, 0.00017%; no homozygotes.

Submissions (5):

Labcorp Genetics (formerly Invitae), Labcorp
Classification: Likely benign for Long QT syndrome. Last evaluated: 2026-01-08. Review status: criteria provided, single submitter. Criteria: Invitae Variant Classification Sherloc (09022015). Collection method: clinical testing. Allele origin: germline.

Color Diagnostics, LLC DBA Color Health
Classification: Likely benign for Cardiac arrhythmia. Last evaluated: 2025-01-13. Review status: criteria provided, single submitter. Criteria: ACMG Guidelines, 2015. Collection method: clinical testing. Allele origin: germline.

All of Us Research Program, National Institutes of Health
Classification: Uncertain significance for Long QT syndrome. Last evaluated: 2023-12-01. Review status: criteria provided, single submitter. Criteria: ACMG Guidelines, 2015. Collection method: clinical testing. Allele origin: germline. Inheritance: Autosomal dominant inheritance. Observed: 4 variant alleles, 4 heterozygotes.
Comment: This variant is located in the KCNQ1 protein. To our knowledge, functional studies have not been reported for this variant. This variant has not been reported in individuals affected with KCNQ1-related disorders in the literature. This variant has not been identified in the general population by the Genome Aggregation Database (gnomAD). The available evidence is insufficient to determine the role of this variant in disease conclusively. Therefore, this variant is classified as a Variant of Uncertain Significance.

This study involves interpretation of variants in research participants for the purpose of population health screening. Participant phenotype was not available at the time of variant classification. Additional details can be found in publication PMID: 35346344, PMCID: PMC8962531

Blueprint Genetics
Classification: Likely benign. Last evaluated: 2021-07-14. Review status: criteria provided, single submitter. Criteria: ACMG Guidelines, 2015. Collection method: clinical testing. Allele origin: germline.

Ambry Genetics
Classification: Likely benign for Cardiovascular phenotype. Last evaluated: 2019-02-08. Review status: criteria provided, single submitter. Criteria: Ambry Variant Classification Scheme 2023. Collection method: clinical testing. Allele origin: germline.